The following is an entry in ClinVar:

ClinVar aggregate classification (germline): Likely pathogenic. Review status: reviewed by expert panel (3 of 4 stars). 6 submissions from 6 submitters: Likely pathogenic (1). 5 of the submissions do not count toward it. Last evaluated 2025-01-08.

Conditions:
Autosomal recessive limb-girdle muscular dystrophy. Identifiers: Orphanet 102015, MedGen C2931907, MONDO:0015152.
Inborn genetic diseases. Identifiers: MedGen C0950123, MeSH D030342.
Autosomal recessive limb-girdle muscular dystrophy type 2D (LGMDR3). Also called: DUCHENNE-LIKE AUTOSOMAL RECESSIVE MUSCULAR DYSTROPHY, TYPE 2; MUSCULAR DYSTROPHY, LIMB-GIRDLE, AUTOSOMAL RECESSIVE 3; ADHALINOPATHY, PRIMARY. Identifiers: Orphanet 62, MedGen C2936332, MONDO:0011968, OMIM 608099. Disease mechanism: Affects gamma-sarcoglycan and also disrupts the integrity of the entire sarcoglycan complex..

Allele frequency attached by ClinVar (database versions not stated): gnomAD 0.00001; gnomAD exomes 0.00001; TOPMed 0.00002.
gnomAD v4.1: 28 of 1,559,762 alleles (0.0018%); highest among the groups gnomAD compares: Non-Finnish European, 0.0024%; no homozygotes.

Submissions (6):

ClinGen Limb Girdle Muscular Dystrophy Variant Curation Expert Panel, ClinGen
Classification: Likely pathogenic for Autosomal recessive limb-girdle muscular dystrophy. Last evaluated: 2025-01-08. Review status: reviewed by expert panel. Criteria: ClinGen LGMD VCEP ACMG Specifications SGCA V1.0.0. Collection method: curation. Allele origin: germline. Inheritance: Autosomal recessive inheritance.
Comment: The NM_000023.4: c.957-11C>G variant in SGCA is an intronic variant located in intron 7 of 9. This variant has been detected in at least two individuals with autosomal recessive limb girdle muscular dystrophy, where it was identified in unknown phase or confirmed in trans with a pathogenic or likely pathogenic variant (c.229C>T p.(Arg77Cys), 0.5 pts, PMID: 32153140; c.850C>T p.(Arg284Cys), 1.0 pt, UCSD internal clinic data communication) (PM3). At least one patient with this variant displayed progressive limb girdle muscle weakness as well as significantly reduced or absent expression of encoded alpha-sarcoglycan protein, which is highly specific for SGCA-related LGMD (PP4_Strong, UCSD internal clinic data communication). The highest minor allele frequency of this variant is 0.00002940 (2/68034 genome chromosomes) in the European (non-Finnish) population of gnomAD v3.1.2, which is less than the ClinGen LGMD VCEP threshold for PM2_Supporting (0.00009), meeting this criterion (PM2_Supporting). SpliceAI predicts the loss of the native acceptor site with a score of 0.49 and gain of a cryptic site with a score of 0.63, meeting criteria for PP3. In summary, this variant meets the criteria to be classified as Likely Pathogenic for autosomal recessive limb girdle muscular dystrophy based on the ACMG/AMP criteria applied, as specified by the ClinGen LGMD VCEP (LGMD VCEP specifications version 1.0.0; 01/08/2025): PP4_Strong, PM3, PP3, PM2_Supporting.

Labcorp Genetics (formerly Invitae), Labcorp
Classification: Likely pathogenic for Autosomal recessive limb-girdle muscular dystrophy type 2D. Last evaluated: 2025-07-30. Review status: criteria provided, single submitter. Criteria: Invitae Variant Classification Sherloc (09022015). Collection method: clinical testing. Allele origin: germline. Not counted in ClinVar's aggregate classification.
Comment: This sequence change falls in intron 7 of the SGCA gene. It does not directly change the encoded amino acid sequence of the SGCA protein. The frequency data for this variant in the population databases is considered unreliable, as metrics indicate poor data quality at this position in the gnomAD database. This variant has been observed in individual(s) with limb-girdle muscular dystrophy type 2D (PMID: 32153140; internal data). In at least one individual the data is consistent with being in trans (on the opposite chromosome) from a pathogenic variant. ClinVar contains an entry for this variant (Variation ID: 978048). Studies have shown that this variant is associated with inconclusive levels of altered splicing (external communication). In summary, the currently available evidence indicates that the variant is pathogenic, but additional data are needed to prove that conclusively. Therefore, this variant has been classified as Likely Pathogenic.

Revvity Omics, Revvity
Classification: Likely pathogenic for Autosomal recessive limb-girdle muscular dystrophy type 2D. Last evaluated: 2025-06-04. Review status: criteria provided, single submitter. Criteria: ACMG Guidelines, 2015. Collection method: clinical testing. Allele origin: germline. Not counted in ClinVar's aggregate classification.

Ambry Genetics
Classification: Likely pathogenic for Inborn genetic diseases. Last evaluated: 2025-05-27. Review status: criteria provided, single submitter. Criteria: Ambry Variant Classification Scheme 2023. Collection method: clinical testing. Allele origin: germline. Not counted in ClinVar's aggregate classification.
Comment: The c.957-11C>G intronic alteration results from a C to G substitution 11 nucleotides before coding exon 8 of the SGCA gene. Based on data from gnomAD, the G allele has an overall frequency of 0.001% (2/169210) total alleles studied. The highest observed frequency was 0.003% (2/67524) of European (non-Finnish) alleles. This variant has been identified in the homozygous state and/or in conjunction with other SGCA variant(s) in individual(s) with features consistent with limb-girdle muscular dystrophy (Beecroft, 2020; external communication). This nucleotide position is not well conserved in available vertebrate species. In silico splice site analysis predicts that this alteration will result in the creation or strengthening of a novel splice donor site. Based on the available evidence, this alteration is classified as likely pathogenic.

Undiagnosed Diseases Network, NIH
Classification: Likely pathogenic for Autosomal recessive limb-girdle muscular dystrophy type 2D. Last evaluated: 2020-06-30. Review status: criteria provided, single submitter. Criteria: ACMG Guidelines, 2015. Collection method: clinical testing. Allele origin: maternal. Inheritance: Autosomal recessive inheritance. Affected: yes. Observed: 1 variant allele, 1 compound heterozygote. Study: Undiagnosed Diseases Network (NIH), UDN. Not counted in ClinVar's aggregate classification.

GeneDx
Classification: Likely pathogenic. Last evaluated: 2019-05-24. Review status: criteria provided, single submitter. Criteria: GeneDx Variant Classification Process June 2021. Collection method: clinical testing. Allele origin: germline. Affected: yes. Not counted in ClinVar's aggregate classification.
Comment: Not observed in large population cohorts (Lek et al., 2016); In silico analysis, which includes splice predictors and evolutionary conservation, supports a deleterious effect; Has not been previously published as pathogenic or benign to our knowledge

Literature cited by the submitters: PubMed 32153140 (cited by Labcorp Genetics (formerly Invitae), Labcorp and Ambry Genetics).

NM_000023.4(SGCA):c.957-11C>G

Gene: SGCA (sarcoglycan alpha; plus strand). Cytogenetic location: 17q21.33.
Variant type: single nucleotide variant.
Coding change: c.957-11C>G on transcript NM_000023.4 (MANE Select); 11 bases into the intron before coding-DNA position 957, C replaced by G.
Molecular consequence: intron variant.
Genome position (GRCh38, 1-based): chr17:50,170,629, C>G. VCF-style: chr17-50170629-C-G. GRCh37 (hg19) VCF-style: chr17-48247990-C-G.
Other names: c.585-11C>G (NM_001135697.3); c.957-11C>G (NM_000023.2).
Identifiers: ClinVar variation 978048 (VCV000978048.18), dbSNP rs1391089933, ClinGen allele CA626689269.